The following is an entry in ClinVar:

NM_004525.3(LRP2):c.11542G>A (p.Glu3848Lys)

Gene: LRP2 (LDL receptor related protein 2; minus strand). Cytogenetic location: 2q31.1.
Variant type: single nucleotide variant.
Coding change: c.11542G>A on transcript NM_004525.3 (MANE Select); coding-DNA position 11542, G replaced by A.
Protein change: p.Glu3848Lys; replaces glutamic acid 3848 with lysine.
Molecular consequence: missense variant.
Genome position (GRCh38, 1-based): chr2:169,168,632, C>T on the plus strand (G>A on the coding strand, the complement: LRP2 is on the minus strand). VCF-style: chr2-169168632-C-T. GRCh37 (hg19) VCF-style: chr2-170025142-C-T.
Other names: short protein forms E3848K.
Identifiers: ClinVar variation 1425573 (VCV001425573.8), dbSNP rs777083781, ClinGen allele CA1953029.
Genomic context (GRCh38, chr2:169,168,632, plus strand): 5'-CACAGTCATCATCGCCATCACATTTCCAATATGGCGGGATACAAACATGGTTTTTGCATT[C>T]GAACATAGTAGCCTGGCAGTATGCACCATCAGGAAAGCGTGTGGCTGCCATGGGGGAAAA-3'
Protein context (NP_004516.2, residues 3838-3858): DGAYCQATMF[Glu3848Lys]CKNHVCIPPY

ClinVar aggregate classification (germline): Uncertain significance. Review status: criteria provided, multiple submitters, no conflicts (2 of 4 stars). 3 submissions from 3 submitters: Uncertain significance (3). Last evaluated 2024-10-23.

Allele frequency attached by ClinVar (database versions not stated): gnomAD exomes 0.00001 and 0.00006; ExAC 0.00002; TOPMed 0.00003; gnomAD 0.00004.
gnomAD v4.1: 88 of 1,613,980 alleles (0.0055%); highest among the groups gnomAD compares: Non-Finnish European, 0.0072%; no homozygotes.

Submissions (3):

Blueprint Genetics
Classification: Uncertain significance. Last evaluated: 2024-10-23. Review status: criteria provided, single submitter. Criteria: ACMG Guidelines, 2015. Collection method: clinical testing. Allele origin: germline.

Dasa
Classification: Uncertain significance. Last evaluated: 2024-10-03. Review status: criteria provided, single submitter. Criteria: DASA Assertion Criteria. Collection method: clinical testing. Allele origin: germline.
Comment: NM_004525.3(LRP2):c.11542G>A (p.Glu3848Lys) is a missense variant that results in the substitution of glutamic acid with lysine. This variant is rare in population databases. Computational prediction algorithms are consistent with a deleterious effect. The currently available literature and clinical evidence are not sufficient to establish a definitive association between this variant and the reported condition. Therefore, this variant is classified as a variant of uncertain significance.

Labcorp Genetics (formerly Invitae), Labcorp
Classification: Uncertain significance. Last evaluated: 2022-07-11. Review status: criteria provided, single submitter. Criteria: Invitae Variant Classification Sherloc (09022015). Collection method: clinical testing. Allele origin: germline.
Comment: This sequence change replaces glutamic acid, which is acidic and polar, with lysine, which is basic and polar, at codon 3848 of the LRP2 protein (p.Glu3848Lys). This variant is present in population databases (rs777083781, gnomAD 0.002%). This variant has not been reported in the literature in individuals affected with LRP2-related conditions. ClinVar contains an entry for this variant (Variation ID: 1425573). Algorithms developed to predict the effect of missense changes on protein structure and function are either unavailable or do not agree on the potential impact of this missense change (SIFT: "Deleterious"; PolyPhen-2: "Probably Damaging"; Align-GVGD: "Class C0"). In summary, the available evidence is currently insufficient to determine the role of this variant in disease. Therefore, it has been classified as a Variant of Uncertain Significance.